The following is an entry in ClinVar:

ClinVar aggregate classification (germline): Uncertain significance (1 of 4 stars; one submission).

Conditions:
Nephronophthisis. Also called: Juvenile Nephronophthisis. Identifiers: Orphanet 655, MedGen C0687120, MONDO:0019005, HP:0000090.

Submission:

Labcorp Genetics (formerly Invitae), Labcorp
Classification: Uncertain significance for Nephronophthisis. Last evaluated: 2022-10-24. Review status: criteria provided, single submitter. Criteria: Invitae Variant Classification Sherloc (09022015). Collection method: clinical testing. Allele origin: germline.
Comment: This sequence change replaces threonine, which is neutral and polar, with alanine, which is neutral and non-polar, at codon 1263 of the NPHP3 protein (p.Thr1263Ala). This variant is not present in population databases (gnomAD no frequency). This variant has not been reported in the literature in individuals affected with NPHP3-related conditions. ClinVar contains an entry for this variant (Variation ID: 1022804). Advanced modeling of protein sequence and biophysical properties (such as structural, functional, and spatial information, amino acid conservation, physicochemical variation, residue mobility, and thermodynamic stability) performed at Invitae indicates that this missense variant is not expected to disrupt NPHP3 protein function. In summary, the available evidence is currently insufficient to determine the role of this variant in disease. Therefore, it has been classified as a Variant of Uncertain Significance.

NM_153240.5(NPHP3):c.3787A>G (p.Thr1263Ala)

Genes: NPHP3 (nephrocystin 3; minus strand), NPHP3-ACAD11 (NPHP3-ACAD11 readthrough (NMD candidate); minus strand). Cytogenetic location: 3q22.1.
Variant type: single nucleotide variant.
Coding change: c.3787A>G on transcript NM_153240.5 (MANE Select); coding-DNA position 3787, A replaced by G.
Protein change: p.Thr1263Ala; replaces threonine 1263 with alanine.
Molecular consequence: missense variant. On other transcripts: non-coding transcript variant (1).
Genome position (GRCh38, 1-based): chr3:132,682,728, T>C on the plus strand (A>G on the coding strand, the complement: NPHP3 is on the minus strand). VCF-style: chr3-132682728-T-C. GRCh37 (hg19) VCF-style: chr3-132401572-T-C.
Other names: short protein forms T1263A.
Identifiers: ClinVar variation 1022804 (VCV001022804.8), dbSNP rs1939063603, ClinGen allele CA354578225.